The following is an entry in ClinVar:

NM_003673.4(TCAP):c.380G>A (p.Cys127Tyr)

Gene: TCAP (titin-cap; plus strand). Cytogenetic location: 17q12.
Variant type: single nucleotide variant.
Coding change: c.380G>A on transcript NM_003673.4 (MANE Select); coding-DNA position 380, G replaced by A.
Protein change: p.Cys127Tyr; replaces cysteine 127 with tyrosine.
Molecular consequence: missense variant.
Genome position (GRCh38, 1-based): chr17:39,665,985, G>A. VCF-style: chr17-39665985-G-A. GRCh37 (hg19) VCF-style: chr17-37822238-G-A.
Other names: short protein forms C127Y.
Identifiers: ClinVar variation 2930380 (VCV002930380.3), dbSNP rs2057252407, ClinGen allele CA399305430.

ClinVar aggregate classification (germline): Uncertain significance (1 of 4 stars; one submission).

Conditions:
Primary familial hypertrophic cardiomyopathy (HCM). Identifiers: Orphanet 99739, MedGen C0949658, MeSH D024741, MONDO:0024573. Inheritance: Various modes of inheritance.
Hypertrophic cardiomyopathy 25 (CMH25). Also called: CARDIOMYOPATHY, FAMILIAL HYPERTROPHIC, 25. Identifiers: MedGen C4225408, MONDO:0011843, OMIM 607487.

Submission:

Labcorp Genetics (formerly Invitae), Labcorp
Classification: Uncertain significance for Hypertrophic cardiomyopathy 25; Primary familial hypertrophic cardiomyopathy. Last evaluated: 2023-11-18. Review status: criteria provided, single submitter. Criteria: Invitae Variant Classification Sherloc (09022015). Collection method: clinical testing. Allele origin: germline.
Comment: This sequence change replaces cysteine, which is neutral and slightly polar, with tyrosine, which is neutral and polar, at codon 127 of the TCAP protein (p.Cys127Tyr). This variant is not present in population databases (gnomAD no frequency). This variant has not been reported in the literature in individuals affected with TCAP-related conditions. An algorithm developed to predict the effect of missense changes on protein structure and function (PolyPhen-2) suggests that this variant is likely to be disruptive. In summary, the available evidence is currently insufficient to determine the role of this variant in disease. Therefore, it has been classified as a Variant of Uncertain Significance.